The following is an entry in ClinVar:

ClinVar aggregate classification (germline): Uncertain significance (1 of 4 stars; one submission).

Conditions:
Melanoma, cutaneous malignant, susceptibility to, 8. Also called: MELANOMA AND RENAL CELL CARCINOMA, SUSCEPTIBILITY TO; Cutaneous malignant melanoma 8. Identifiers: Orphanet 293822, MedGen C3152204, MONDO:0013759, OMIM 614456.
Tietz syndrome (TADS). Also called: ALBINISM-DEAFNESS OF TIETZ; HYPOPIGMENTATION/DEAFNESS OF TIETZ; TIETZ ALBINISM-DEAFNESS SYNDROME. Identifiers: Orphanet 42665, MedGen C0391816, MONDO:0007077, OMIM 103500.
Waardenburg syndrome type 2A (WS2A). Also called: WAARDENBURG SYNDROME WITHOUT DYSTOPIA CANTHORUM. Identifiers: Orphanet 3440, MedGen C1860339, MONDO:0008671, OMIM 193510.

Submission:

Labcorp Genetics (formerly Invitae), Labcorp
Classification: Uncertain significance for Melanoma, cutaneous malignant, susceptibility to, 8; Waardenburg syndrome type 2A; Tietz syndrome. Last evaluated: 2024-10-19. Review status: criteria provided, single submitter. Criteria: Invitae Variant Classification Sherloc (09022015). Collection method: clinical testing. Allele origin: germline.
Comment: This sequence change replaces aspartic acid, which is acidic and polar, with glutamic acid, which is acidic and polar, at codon 334 of the MITF protein (p.Asp334Glu). This variant is not present in population databases (gnomAD no frequency). This variant has not been reported in the literature in individuals affected with MITF-related conditions. Invitae Evidence Modeling of protein sequence and biophysical properties (such as structural, functional, and spatial information, amino acid conservation, physicochemical variation, residue mobility, and thermodynamic stability) indicates that this missense variant is not expected to disrupt MITF protein function with a negative predictive value of 80%. In summary, the available evidence is currently insufficient to determine the role of this variant in disease. Therefore, it has been classified as a Variant of Uncertain Significance.

NM_001354604.2(MITF):c.1323C>G (p.Asp441Glu)

Gene: MITF (melanocyte inducing transcription factor; plus strand). Cytogenetic location: 3p13.
Variant type: single nucleotide variant.
Coding change: c.1323C>G on transcript NM_001354604.2 (MANE Select); coding-DNA position 1323, C replaced by G.
Protein change: p.Asp441Glu; replaces aspartic acid 441 with glutamic acid.
Molecular consequence: missense variant.
Genome position (GRCh38, 1-based): chr3:69,964,990, C>G. VCF-style: chr3-69964990-C-G. GRCh37 (hg19) VCF-style: chr3-70014141-C-G.
Other names: c.1002C>G, p.Asp334Glu (NM_000248.4); c.1149C>G, p.Asp383Glu (NM_001184967.2, NM_001354608.2); c.1320C>G, p.Asp440Glu (NM_001354605.2); c.1302C>G, p.Asp434Glu (NM_001354606.2, NM_006722.3); c.1254C>G, p.Asp418Glu (NM_001354607.2); c.984C>G, p.Asp328Glu (NM_198158.3); c.1305C>G, p.Asp435Glu (NM_198159.3); c.1257C>G, p.Asp419Glu (NM_198177.3); and 1 more; short protein forms D383E, D418E, D419E, D434E, D435E, D440E, D441E, D272E.
Identifiers: ClinVar variation 3758225 (VCV003758225.2).
Genomic context (GRCh38, chr3:69,964,990, plus strand): 5'-CATCAAGCAAGAACCCGTTCTTGAGAACTGCAGCCAAGACCTCCTTCAGCATCATGCAGA[C>G]CTAACCTGTACAACAACTCTCGATCTCACGGATGGCACCATCACCTTCAACAACAACCTC-3'
Protein context (NP_001341533.1, residues 431-451): CSQDLLQHHA[Asp441Glu]LTCTTTLDLT